The following is an entry in ClinVar:

NM_001378183.1(PIEZO2):c.5598G>T (p.Thr1866=)

Gene: PIEZO2 (piezo type mechanosensitive ion channel component 2; minus strand). Cytogenetic location: 18p11.22.
Variant type: single nucleotide variant.
Coding change: c.5598G>T on transcript NM_001378183.1 (MANE Select); coding-DNA position 5598, G replaced by T.
Protein change: p.Thr1866=; no amino-acid change (threonine 1866 retained).
Molecular consequence: synonymous variant.
Genome position (GRCh38, 1-based): chr18:10,705,737, C>A on the plus strand (G>T on the coding strand, the complement: PIEZO2 is on the minus strand). VCF-style: chr18-10705737-C-A. GRCh37 (hg19) VCF-style: chr18-10705735-C-A.
Other names: c.5259G>T, p.Thr1753= (NM_022068.4).
Identifiers: ClinVar variation 261516 (VCV000261516.17), dbSNP rs78023192, ClinGen allele CA8892327.

ClinVar aggregate classification (germline): Benign/Likely benign. Review status: criteria provided, multiple submitters, no conflicts (2 of 4 stars). 6 submissions from 6 submitters: Benign (2); Likely benign (4). Last evaluated 2026-02-01.

Allele frequency attached by ClinVar (database versions not stated): TOPMed 0.00376; 1000 Genomes Project 0.00459; 1000 Genomes Project 30x 0.00515.
gnomAD v4.1: 1,059 of 1,525,182 alleles (0.069%); highest among the groups gnomAD compares: African/African-American, 1.3%; 7 homozygotes.

Submissions (6):

CeGaT Center for Human Genetics Tuebingen
Classification: Likely benign. Last evaluated: 2026-02-01. Review status: criteria provided, single submitter. Criteria: CeGaT Center For Human Genetics Tuebingen Variant Classification Criteria Version 2. Collection method: clinical testing. Allele origin: germline. Affected: yes. Observed: 1 variant allele.
Comment: PIEZO2: BS1

Labcorp Genetics (formerly Invitae), Labcorp
Classification: Benign. Last evaluated: 2026-01-25. Review status: criteria provided, single submitter. Criteria: Invitae Variant Classification Sherloc (09022015). Collection method: clinical testing. Allele origin: germline.

Blueprint Genetics
Classification: Likely benign. Last evaluated: 2024-11-06. Review status: criteria provided, single submitter. Criteria: ACMG Guidelines, 2015. Collection method: clinical testing. Allele origin: germline.

GeneDx
Classification: Likely benign. Last evaluated: 2021-01-28. Review status: criteria provided, single submitter. Criteria: GeneDx Variant Classification Process June 2021. Collection method: clinical testing. Allele origin: germline. Affected: yes.

Breakthrough Genomics
Classification: Likely benign. Review status: criteria provided, single submitter. Criteria: ACMG Guidelines, 2015. Collection method: not provided. Allele origin: germline. Inheritance: Autosomal recessive inheritance. Affected: yes.

PreventionGenetics, part of Exact Sciences
Classification: Benign. Review status: criteria provided, single submitter. Criteria: ACMG Guidelines, 2015. Collection method: clinical testing. Allele origin: germline.